The following is an entry in ClinVar:

NM_005379.4(MYO1A):c.278G>A (p.Arg93Gln)

Genes: MYO1A (myosin IA; minus strand), LOC126861538 (BRD4-independent group 4 enhancer GRCh37_chr12:57440635-57441834; plus strand). Cytogenetic location: 12q13.3.
Variant type: single nucleotide variant.
Coding change: c.278G>A on transcript NM_005379.4 (MANE Select); coding-DNA position 278, G replaced by A.
Protein change: p.Arg93Gln; replaces arginine 93 with glutamine.
Molecular consequence: missense variant.
Genome position (GRCh38, 1-based): chr12:57,047,674, C>T on the plus strand (G>A on the coding strand, the complement: MYO1A is on the minus strand). VCF-style: chr12-57047674-C-T. GRCh37 (hg19) VCF-style: chr12-57441458-C-T.
Other names: c.278G>A, p.Arg93Gln (NM_001256041.2); c.278G>A (NM_005379.2); short protein forms R93Q.
Identifiers: ClinVar variation 1701204 (VCV001701204.35), dbSNP rs781131982, ClinGen allele CA6640539.

ClinVar aggregate classification (germline): Conflicting classifications of pathogenicity. Review status: criteria provided, conflicting classifications (1 of 4 stars). 2 submissions from 2 submitters: Uncertain significance (1); Likely benign (1). Last evaluated 2024-07-30.

Allele frequency attached by ClinVar (database versions not stated): gnomAD exomes 0.00007 and 0.00012; ExAC 0.00009.
gnomAD v4.1: 118 of 1,614,240 alleles (0.0073%); highest among the groups gnomAD compares: Middle Eastern, 0.05%; no homozygotes.

Submissions (2):

Ambry Genetics
Classification: Uncertain significance. Last evaluated: 2024-07-30. Review status: criteria provided, single submitter. Criteria: Ambry Variant Classification Scheme 2023. Collection method: clinical testing. Allele origin: germline.

CeGaT Center for Human Genetics Tuebingen
Classification: Likely benign. Last evaluated: 2022-07-01. Review status: criteria provided, single submitter. Criteria: CeGaT Center For Human Genetics Tuebingen Variant Classification Criteria Version 2. Collection method: clinical testing. Allele origin: germline. Affected: yes. Observed: 1 variant allele.
Comment: MYO1A: BS1:Supporting